The following is an entry in ClinVar:

ClinVar aggregate classification (germline): Benign/Likely benign. Review status: criteria provided, multiple submitters, no conflicts (2 of 4 stars). 5 submissions from 4 submitters: Benign (4); Likely benign (1). Last evaluated 2024-03-06.

Conditions:
Epidermolytic ichthyosis. Also called: KRT10-Related Epidermolytic Hyperkeratosis; Epidermolytic Hyperkeratosis; Bullous ichthyosiform erythroderma; Congenital bullous ichthyosiform erythroderma. Identifiers: Orphanet 312, MedGen C0079153, MONDO:0007239, HP:0007475.
Diffuse nonepidermolytic palmoplantar keratoderma (NEPPK). Also called: Nonepidermolytic palmoplantar hyperkeratosis; Nonepidermolytic palmoplantar keratoderma. Identifiers: Orphanet 530838, MedGen C1833030, MONDO:0010962, OMIM 600962, HP:0007404.

Allele frequency attached by ClinVar (database versions not stated): gnomAD 0.00007; gnomAD exomes 0.00014 and 0.00015; ExAC 0.00017; 1000 Genomes Project 30x 0.00062; 1000 Genomes Project 0.00080; TOPMed 0.00005.
gnomAD v4.1: 227 of 1,614,224 alleles (0.014%); highest among the groups gnomAD compares: East Asian, 0.46%; no homozygotes.

Submissions (5):

Blueprint Genetics
Classification: Likely benign. Last evaluated: 2024-03-06. Review status: criteria provided, single submitter. Criteria: ACMG Guidelines, 2015. Collection method: clinical testing. Allele origin: germline.

Labcorp Genetics (formerly Invitae), Labcorp
Classification: Benign. Last evaluated: 2021-08-11. Review status: criteria provided, single submitter. Criteria: Invitae Variant Classification Sherloc (09022015). Collection method: clinical testing. Allele origin: germline.

Illumina Laboratory Services, Illumina
Classification: Benign for Epidermolytic hyperkeratosis 1. Last evaluated: 2018-01-13. Review status: criteria provided, single submitter. Criteria: ICSL Variant Classification Criteria 13 December 2019. Collection method: clinical testing. Allele origin: germline.
Comment: This variant was observed in the ICSL laboratory as part of a predisposition screen in an ostensibly healthy population. It had not been previously curated by ICSL or reported in the Human Gene Mutation Database (HGMD: prior to June 1st, 2018), and was therefore a candidate for classification through an automated scoring system. Utilizing variant allele frequency, disease prevalence and penetrance estimates, and inheritance mode, an automated score was calculated to assess if this variant is too frequent to cause the disease. Based on the score and internal cut-off values, a variant classified as benign is not then subjected to further curation. The score for this variant resulted in a classification of benign for this disease.

Illumina Laboratory Services, Illumina
Classification: Benign for Diffuse nonepidermolytic palmoplantar keratoderma. Last evaluated: 2018-01-13. Review status: criteria provided, single submitter. Criteria: ICSL Variant Classification Criteria 13 December 2019. Collection method: clinical testing. Allele origin: germline.
Comment: the same text as in the submission from Illumina Laboratory Services, Illumina above.

Breakthrough Genomics
Classification: Benign. Review status: criteria provided, single submitter. Criteria: ACMG Guidelines, 2015. Collection method: not provided. Allele origin: germline. Inheritance: Autosomal dominant inheritance. Affected: yes.

NM_006121.4(KRT1):c.1035C>T (p.Leu345=)

Gene: KRT1 (keratin 1; minus strand). Cytogenetic location: 12q13.13.
Variant type: single nucleotide variant.
Coding change: c.1035C>T on transcript NM_006121.4 (MANE Select); coding-DNA position 1035, C replaced by T.
Protein change: p.Leu345=; no amino-acid change (leucine 345 retained).
Molecular consequence: synonymous variant.
Genome position (GRCh38, 1-based): chr12:52,677,409, G>A on the plus strand (C>T on the coding strand, the complement: KRT1 is on the minus strand). VCF-style: chr12-52677409-G-A. GRCh37 (hg19) VCF-style: chr12-53071193-G-A.
Identifiers: ClinVar variation 309646 (VCV000309646.14), dbSNP rs192365492, ClinGen allele CA6586274.